The following is an entry in ClinVar:

ClinVar aggregate classification (germline): Pathogenic (1 of 4 stars; one submission).

Conditions:
Arrhythmogenic cardiomyopathy with wooly hair and keratoderma. Also called: PALMOPLANTAR KERATODERMA WITH LEFT VENTRICULAR CARDIOMYOPATHY AND WOOLLY HAIR; Arrhythmogenic cardiomyopathy with woolly hair and keratoderma; Carvajal syndrome; Dilated cardiomyopathy with woolly hair and keratoderma. Identifiers: Orphanet 65282, MedGen C1854063, MONDO:0011581, OMIM 605676.
Arrhythmogenic right ventricular dysplasia 8 (ARVD8). Also called: ARRHYTHMOGENIC RIGHT VENTRICULAR DYSPLASIA, FAMILIAL, 8; ARRHYTHMOGENIC RIGHT VENTRICULAR CARDIOMYOPATHY 8; Arrhythmogenic Right Ventricular Dysplasia/Cardiomyopathy 8. Identifiers: MedGen C1843896, MONDO:0011831, OMIM 607450.

Submission:

Labcorp Genetics (formerly Invitae), Labcorp
Classification: Pathogenic for Arrhythmogenic cardiomyopathy with wooly hair and keratoderma; Arrhythmogenic right ventricular dysplasia 8. Last evaluated: 2021-11-18. Review status: criteria provided, single submitter. Criteria: Invitae Variant Classification Sherloc (09022015). Collection method: clinical testing. Allele origin: germline.
Comment: This sequence change creates a premature translational stop signal (p.Arg1628Phefs*17) in the DSP gene. It is expected to result in an absent or disrupted protein product. Loss-of-function variants in DSP are known to be pathogenic (PMID: 20716751, 24503780, 25227139). This variant is not present in population databases (gnomAD no frequency). This variant has not been reported in the literature in individuals affected with DSP-related conditions. ClinVar contains an entry for this variant (Variation ID: 1070194). For these reasons, this variant has been classified as Pathogenic.

Literature cited by the submitters: PubMed 20716751; PubMed 24503780; PubMed 25227139.

NM_004415.4(DSP):c.4882del (p.Arg1628fs)

Gene: DSP (desmoplakin; plus strand). Cytogenetic location: 6p24.3.
Variant type: Deletion.
Coding change: c.4882del on transcript NM_004415.4 (MANE Select); coding-DNA position 4882, one base deleted (A; older notation c.4882delA).
Protein change: p.Arg1628fs; shifts the reading frame from arginine 1628.
Molecular consequence: frameshift variant. On other transcripts: intron variant (2).
Genome position (GRCh38, 1-based): chr6:7,581,072, A deleted. VCF-style (leftmost placement, unchanged base first): chr6-7581071-GA-G. GRCh37 (hg19) VCF-style: chr6-7581304-GA-G.
Other names: c.4050+832del (NM_001319034.2); c.3582+1300del (NM_001008844.3); short protein forms R1628fs.
Identifiers: ClinVar variation 1070194 (VCV001070194.2), dbSNP rs2113695145, ClinGen allele CA2499218560.
Genomic context (GRCh38, chr6:7,581,071, plus strand): 5'-GCAAGCCATCAAAATCACCAACCTGACCCAGCAGCTGGAGCAGGCATCCATTGTTAAGAA[GA>G]GGAGTGAGGATGACCTCCGGCAGCAGAGGGACGTGCTGGATGGCCACCTGAGGGAAAAGC-3'